The following is an entry in ClinVar:

ClinVar aggregate classification (germline): Pathogenic (1 of 4 stars; one submission).

Conditions:
Inborn genetic diseases. Identifiers: MedGen C0950123, MeSH D030342.

Submission:

Ambry Genetics
Classification: Pathogenic for Inborn genetic diseases. Last evaluated: 2025-10-15. Review status: criteria provided, single submitter. Criteria: Ambry Variant Classification Scheme 2023. Collection method: clinical testing. Allele origin: germline.
Comment: The c.1799C>G (p.S600*) alteration, located in exon 17 (coding exon 17) of the PHIP gene, consists of a C to G substitution at nucleotide position 1799. This changes the amino acid from a serine (S) to a stop codon at amino acid position 600. This alteration is expected to result in loss of function by premature protein truncation or nonsense-mediated mRNA decay. This variant was not reported in population-based cohorts in the Genome Aggregation Database (gnomAD). Based on the available evidence, this alteration is classified as pathogenic.

NM_017934.7(PHIP):c.1799C>G (p.Ser600Ter)

Gene: PHIP (PHIP subunit of CUL4-Ring ligase complex; minus strand). Cytogenetic location: 6q14.1.
Variant type: single nucleotide variant.
Coding change: c.1799C>G on transcript NM_017934.7 (MANE Select); coding-DNA position 1799, C replaced by G.
Protein change: p.Ser600Ter; replaces serine 600 with a stop codon.
Molecular consequence: nonsense.
Genome position (GRCh38, 1-based): chr6:79,001,979, G>C on the plus strand (C>G on the coding strand, the complement: PHIP is on the minus strand). VCF-style: chr6-79001979-G-C. GRCh37 (hg19) VCF-style: chr6-79711696-G-C.
Other names: short protein forms S600*.
Identifiers: ClinVar variation 4627381 (VCV004627381.1).